The following is an entry in ClinVar:

NM_173483.4(CYP4F22):c.20G>A (p.Arg7His)

Gene: CYP4F22 (cytochrome P450 family 4 subfamily F member 22; plus strand). Cytogenetic location: 19p13.12.
Variant type: single nucleotide variant.
Coding change: c.20G>A on transcript NM_173483.4 (MANE Select); coding-DNA position 20, G replaced by A.
Protein change: p.Arg7His; replaces arginine 7 with histidine.
Molecular consequence: missense variant.
Genome position (GRCh38, 1-based): chr19:15,525,356, G>A. VCF-style: chr19-15525356-G-A. GRCh37 (hg19) VCF-style: chr19-15636167-G-A.
Other names: short protein forms R7H.
Identifiers: ClinVar variation 510003 (VCV000510003.38), dbSNP rs202066269, ClinGen allele CA9269438.

ClinVar aggregate classification (germline): Conflicting classifications of pathogenicity. Review status: criteria provided, conflicting classifications (1 of 4 stars). 4 submissions from 4 submitters: Uncertain significance (1); Benign (1); Likely benign (2). Last evaluated 2026-01-25.

Conditions:
Autosomal recessive congenital ichthyosis 5 (ARCI5). Also called: Ichthyosis, nonlamellar and nonerythrodermic, congenital, autosomal recessive; ICHTHYOSIS CONGENITA III. Identifiers: Orphanet 313, MedGen C1858133, MONDO:0011485, OMIM 604777.

Allele frequency attached by ClinVar (database versions not stated): ESP Exome Variant Server 0.00015; TOPMed 0.00034; gnomAD 0.00043 and 0.00048; gnomAD exomes 0.00094; ExAC 0.00107; 1000 Genomes Project 0.00120; 1000 Genomes Project 30x 0.00125.
gnomAD v4.1: 875 of 1,613,742 alleles (0.054%); highest among the groups gnomAD compares: Middle Eastern, 0.58%; 5 homozygotes.

Submissions (4):

Labcorp Genetics (formerly Invitae), Labcorp
Classification: Benign. Last evaluated: 2026-01-25. Review status: criteria provided, single submitter. Criteria: Invitae Variant Classification Sherloc (09022015). Collection method: clinical testing. Allele origin: germline.

CeGaT Center for Human Genetics Tuebingen
Classification: Likely benign. Last evaluated: 2023-01-01. Review status: criteria provided, single submitter. Criteria: CeGaT Center For Human Genetics Tuebingen Variant Classification Criteria Version 2. Collection method: clinical testing. Allele origin: germline. Affected: yes. Observed: 1 variant allele.
Comment: CYP4F22: BP4

Illumina Laboratory Services, Illumina
Classification: Uncertain significance for Autosomal recessive congenital ichthyosis 5. Last evaluated: 2018-01-12. Review status: criteria provided, single submitter. Criteria: ICSL Variant Classification Criteria 13 December 2019. Collection method: clinical testing. Allele origin: germline.

GeneDx
Classification: Likely benign. Last evaluated: 2018-01-02. Review status: criteria provided, single submitter. Criteria: GeneDx Variant Classification (06012015). Collection method: clinical testing. Allele origin: germline. Affected: yes.
Comment: This variant is considered likely benign or benign based on one or more of the following criteria: it is a conservative change, it occurs at a poorly conserved position in the protein, it is predicted to be benign by multiple in silico algorithms, and/or has population frequency not consistent with disease.